The following is an entry in ClinVar:

ClinVar aggregate classification (germline): Likely benign (0 of 4 stars; one submission).

Conditions:
P2RX1-related disorder. Also called: P2RX1-related condition.

Allele frequency attached by ClinVar (database versions not stated): ExAC 0.00001; TOPMed 0.00003; gnomAD 0.00006; ESP Exome Variant Server 0.00008.
gnomAD v4.1: 27 of 1,613,680 alleles (0.0017%); highest among the groups gnomAD compares: East Asian, 0.0022%; no homozygotes.

Submission:

PreventionGenetics, part of Exact Sciences
Classification: Likely benign for P2RX1-related condition. Last evaluated: 2019-08-09. Review status: no assertion criteria provided. Collection method: clinical testing. Allele origin: germline.
Comment: This variant is classified as likely benign based on ACMG/AMP sequence variant interpretation guidelines (Richards et al. 2015 PMID: 25741868, with internal and published modifications).

NM_002558.4(P2RX1):c.840C>T (p.Tyr280=)

Gene: P2RX1 (purinergic receptor P2X 1; minus strand). Cytogenetic location: 17p13.2.
Variant type: single nucleotide variant.
Coding change: c.840C>T on transcript NM_002558.4 (MANE Select); coding-DNA position 840, C replaced by T.
Protein change: p.Tyr280=; no amino-acid change (tyrosine 280 retained).
Molecular consequence: synonymous variant.
Genome position (GRCh38, 1-based): chr17:3,899,669, G>A on the plus strand (C>T on the coding strand, the complement: P2RX1 is on the minus strand). VCF-style: chr17-3899669-G-A. GRCh37 (hg19) VCF-style: chr17-3802963-G-A.
Identifiers: ClinVar variation 3034587 (VCV003034587.2), dbSNP rs144076351, ClinGen allele CA8296123.